The following is an entry in ClinVar:

NM_004360.5(CDH1):c.2480dup (p.Tyr827Ter)

Gene: CDH1 (cadherin 1; plus strand). Cytogenetic location: 16q22.1.
Variant type: Duplication.
Coding change: c.2480dup on transcript NM_004360.5 (MANE Select); coding-DNA position 2480, one base duplicated (A; older notation c.2480dupA).
Protein change: p.Tyr827Ter; replaces tyrosine 827 with a stop codon.
Molecular consequence: nonsense.
Genome position (GRCh38, 1-based): chr16:68,833,330, A duplicated. VCF-style (leftmost placement, unchanged base first): chr16-68833329-T-TA. GRCh37 (hg19) VCF-style: chr16-68867232-T-TA.
Other names: c.2297dup, p.Tyr766Ter (NM_001317184.2); c.932dup, p.Tyr311Ter (NM_001317185.2); c.515dup, p.Tyr172Ter (NM_001317186.2); short protein forms Y311*, Y766*, Y172*, Y827*.
Identifiers: ClinVar variation 821333 (VCV000821333.7), dbSNP rs1596976243, ClinGen allele CA915949334.

ClinVar aggregate classification (germline): Pathogenic/Likely pathogenic. Review status: criteria provided, multiple submitters, no conflicts (2 of 4 stars). 2 submissions from 2 submitters: Pathogenic (1); Likely pathogenic (1). Last evaluated 2025-07-09.

Conditions:
Hereditary cancer-predisposing syndrome. Also called: Hereditary Cancer Syndrome; Neoplastic Syndromes, Hereditary; Hereditary neoplastic syndrome; Tumor predisposition. Identifiers: Orphanet 140162, MedGen C0027672, MeSH D009386, MONDO:0015356.
Hereditary diffuse gastric adenocarcinoma (HDGC). Also called: DIFFUSE GASTRIC AND LOBULAR BREAST CANCER SYNDROME. Identifiers: Orphanet 26106, MedGen C1708349, MONDO:0007648, OMIM 137215.

Submissions (2):

Ambry Genetics
Classification: Likely pathogenic for Hereditary cancer-predisposing syndrome. Last evaluated: 2025-07-09. Review status: criteria provided, single submitter. Criteria: Ambry Variant Classification Scheme 2023. Collection method: clinical testing. Allele origin: germline.
Comment: The c.2480dupA variant, located in coding exon 16 of the CDH1 gene, results from a duplication of A at nucleotide position 2480, causing a translational frameshift with a predicted alternate stop codon (p.Y827*). This alteration occurs at the 3' terminus of theCDH1 gene, is not expected to trigger nonsense-mediated mRNA decay, and impacts the last 6% of the protein. However, premature stop codons are typically deleterious in nature and the impacted region is critical for protein function (Ambry internal data). This variant was identified in an individual diagnosed with breast cancer (Konecny M et al. Neoplasma, 2021 May;68:652-664). This variant is considered to be rare based on population cohorts in the Genome Aggregation Database (gnomAD). Based on the majority of available evidence to date, this variant is likely to be pathogenic.

Myriad Genetics, Inc.
Classification: Pathogenic for Hereditary diffuse gastric adenocarcinoma. Last evaluated: 2023-06-15. Review status: criteria provided, single submitter. Criteria: Myriad Autosomal Dominant, Autosomal Recessive and X-Linked Classification Criteria (2023). Collection method: clinical testing. Allele origin: unknown.
Comment: This variant is considered pathogenic. This variant creates a termination codon and is predicted to result in premature protein truncation.

Literature cited by the submitters: PubMed 33724863 (cited by Ambry Genetics).